The following is an entry in ClinVar:

ClinVar aggregate classification (germline): Uncertain significance (1 of 4 stars; one submission).

gnomAD v4.1: 18 of 1,555,530 alleles (0.0012%); highest among the groups gnomAD compares: Non-Finnish European, 0.0014%; no homozygotes.

Submission:

Labcorp Genetics (formerly Invitae), Labcorp
Classification: Uncertain significance. Last evaluated: 2024-07-24. Review status: criteria provided, single submitter. Criteria: Invitae Variant Classification Sherloc (09022015). Collection method: clinical testing. Allele origin: germline.
Comment: This sequence change replaces valine, which is neutral and non-polar, with phenylalanine, which is neutral and non-polar, at codon 87 of the POC5 protein (p.Val87Phe). The frequency data for this variant in the population databases is considered unreliable, as metrics indicate poor data quality at this position in the gnomAD database. This variant has not been reported in the literature in individuals affected with POC5-related conditions. An algorithm developed to predict the effect of missense changes on protein structure and function (PolyPhen-2) suggests that this variant is likely to be disruptive. In summary, the available evidence is currently insufficient to determine the role of this variant in disease. Therefore, it has been classified as a Variant of Uncertain Significance.

NM_001099271.2(POC5):c.259G>T (p.Val87Phe)

Gene: POC5 (POC5 centriolar protein; minus strand). Cytogenetic location: 5q13.3.
Variant type: single nucleotide variant.
Coding change: c.259G>T on transcript NM_001099271.2 (MANE Select); coding-DNA position 259, G replaced by T.
Protein change: p.Val87Phe; replaces valine 87 with phenylalanine.
Molecular consequence: missense variant.
Genome position (GRCh38, 1-based): chr5:75,705,752, C>A on the plus strand (G>T on the coding strand, the complement: POC5 is on the minus strand). VCF-style: chr5-75705752-C-A. GRCh37 (hg19) VCF-style: chr5-75001577-C-A.
Other names: c.184G>T, p.Val62Phe (NM_152408.3); short protein forms V87F, V62F.
Identifiers: ClinVar variation 3669284 (VCV003669284.2).